The following is an entry in ClinVar:

ClinVar aggregate classification (germline): Pathogenic. Review status: criteria provided, multiple submitters, no conflicts (2 of 4 stars). 2 submissions from 2 submitters: Pathogenic (2). Last evaluated 2022-10-12.

Conditions:
Hereditary cancer-predisposing syndrome. Also called: Neoplastic Syndromes, Hereditary; Tumor predisposition; Hereditary Cancer Syndrome; Hereditary neoplastic syndrome. Identifiers: Orphanet 140162, MedGen C0027672, MeSH D009386, MONDO:0015356.
Hereditary breast ovarian cancer syndrome. Also called: Hereditary breast and ovarian cancer; Hereditary breast and ovarian cancer syndrome (HBOC); Hereditary breast and ovarian cancer syndrome; Breast and ovarian cancer; Hereditary breast and/or ovarian cancer syndrome; BRCA1- and BRCA2-Associated Hereditary Breast and Ovarian Cancer. Identifiers: Orphanet 145, MedGen C0677776, MeSH D061325, MONDO:0003582. Disease mechanism: loss of function.

Submissions (2):

Labcorp Genetics (formerly Invitae), Labcorp
Classification: Pathogenic for Hereditary breast ovarian cancer syndrome. Last evaluated: 2022-10-12. Review status: criteria provided, single submitter. Criteria: Invitae Variant Classification Sherloc (09022015). Collection method: clinical testing. Allele origin: germline.
Comment: This sequence change creates a premature translational stop signal (p.Gln716*) in the BRCA2 gene. It is expected to result in an absent or disrupted protein product. Loss-of-function variants in BRCA2 are known to be pathogenic (PMID: 20104584). This variant is not present in population databases (gnomAD no frequency). This variant has not been reported in the literature in individuals affected with BRCA2-related conditions. For these reasons, this variant has been classified as Pathogenic.

Ambry Genetics
Classification: Pathogenic for Hereditary cancer-predisposing syndrome. Last evaluated: 2020-12-31. Review status: criteria provided, single submitter. Criteria: Ambry Variant Classification Scheme 2023. Collection method: clinical testing. Allele origin: germline.
Comment: The p.Q716* pathogenic mutation (also known as c.2146C>T), located in coding exon 10 of the BRCA2 gene, results from a C to T substitution at nucleotide position 2146. This changes the amino acid from a glutamine to a stop codon within coding exon 10. This alteration is expected to result in loss of function by premature protein truncation or nonsense-mediated mRNA decay. As such, this alteration is interpreted as a disease-causing mutation.

Literature cited by the submitters: PubMed 20104584 (cited by Labcorp Genetics (formerly Invitae), Labcorp).

NM_000059.4(BRCA2):c.2146C>T (p.Gln716Ter)

Gene: BRCA2 (BRCA2 DNA repair associated; plus strand). Cytogenetic location: 13q13.1.
Variant type: single nucleotide variant.
Coding change: c.2146C>T on transcript NM_000059.4 (MANE Select); coding-DNA position 2146, C replaced by T.
Protein change: p.Gln716Ter; replaces glutamine 716 with a stop codon.
Molecular consequence: nonsense.
Genome position (GRCh38, 1-based): chr13:32,336,501, C>T. VCF-style: chr13-32336501-C-T. GRCh37 (hg19) VCF-style: chr13-32910638-C-T.
Other names: c.2146C>T, p.Gln716Ter (NM_001406719.1, NM_001406720.1); short protein forms Q716*.
Identifiers: ClinVar variation 1786655 (VCV001786655.7), dbSNP rs2137483697, ClinGen allele CA387770160.